The following is an entry in ClinVar:

ClinVar aggregate classification (germline): Benign. Review status: reviewed by expert panel (3 of 4 stars). 8 submissions from 6 submitters: Benign (1). 7 of the submissions do not count toward it. Last evaluated 2024-11-05.

Conditions:
von Willebrand disease type 1 (VWD1). Also called: VWD, TYPE 1; VON WILLEBRAND DISEASE, TYPE I. Identifiers: Orphanet 166078, Orphanet 903, MedGen C1264039, MONDO:0008668, OMIM 193400. Inheritance: autosomal recessive or autosomal dominant.
Hereditary von Willebrand disease. Identifiers: Orphanet 903, MedGen C5703318, MONDO:0019565. Inheritance: Autosomal recessive or Autosomal dominant.
von Willebrand disease type 3 (VWD3). Also called: Type 3 Von Willebrand's disease; Type 3 VWD; Von Willebrand disease, severe form; V WD3; VON WILLEBRAND DISEASE, TYPE III. Identifiers: Orphanet 166096, MedGen C1264041, MONDO:0010191, OMIM 277480.
von Willebrand disease type 2 (VWD2). Also called: VON WILLEBRAND DISEASE, TYPE 2A/IIE; VON WILLEBRAND DISEASE, TYPE 2CB; VWD, TYPE 2; VON WILLEBRAND DISEASE, TYPE II. Identifiers: Orphanet 166081, Orphanet 903, MedGen C1264040, MONDO:0013304, OMIM 613554.

Allele frequency attached by ClinVar (database versions not stated): gnomAD exomes 0.00341 and 0.00850; ExAC 0.01030; 1000 Genomes Project 0.03195; gnomAD 0.03384 and 0.03649; 1000 Genomes Project 30x 0.03545; ESP Exome Variant Server 0.03621; TOPMed 0.03745.
gnomAD v4.1: 10,334 of 1,613,744 alleles (0.64%); highest among the groups gnomAD compares: African/African-American, 12%; 552 homozygotes.

Submissions (8):

ClinGen von Willebrand Disease Variant Curation Expert Panel, ClinGen
Classification: Benign for Hereditary von Willebrand disease. Last evaluated: 2024-11-05. Review status: reviewed by expert panel. Criteria: ClinGen VWD 2A B M Rules. Collection method: curation. Allele origin: germline.
Comment: The NM_000552.5:c.4138A>G variant in VWF is a missense variant predicted to cause substitution of isoleucine by valine at amino acid 1380. The Grpmax filtering allele frequency in gnomAD v4.1 is 0.1164 (based on 8878/74958 alleles in the African/African American population, including 541 homozygotes), which is higher than the ClinGen VWD VCEP threshold of >0.1 for BA1. This variant has been observed in 1 VWD Type 2B patient with an alternate molecular basis for disease, the presence (with unreported phase) of the p.Arg1341Gln variant, previously classified Pathogenic for VWD Type 2B by the ClinGen VWD Type 2 VCEP (BP5; PMID: 30817071). At least 16 healthy adult individuals harboring the p.Asn1435Ser variant were found to be unaffected, with no diagnosis of a bleeding disorder and normal lab values, including bleeding scores lower than 4, VWF:RCo/VWF:Ag ratios >0.6, and no increased response to low-dose ristocetin (PMID: 20231421). The mean VWF:RCo/VWF:Ag ratio of 0.71-0.77 within this group was significantly reduced compared to 0.91-0.97 for WT, but within the normal range. However, BS2 was not considered due to incomplete penetrance in this gene-disease relationship. The computational predictor REVEL gives a score of 0.098, which is below the ClinGen VWD VCEP threshold of <0.290 and does not predict a damaging effect on VWF function (BP4). Additionally, the computational splicing predictor SpliceAI indicated that the variant has no impact on splicing. In summary, this variant is classified as Benign for hereditary von Willebrand disease based on the ACMG/AMP criteria applied, as specified by the ClinGen VWD VCEP: BA1, BP4, BP5.

Mayo Clinic Laboratories, Mayo Clinic
Classification: Benign. Last evaluated: 2025-10-17. Review status: criteria provided, single submitter. Criteria: ACMG Guidelines, 2015. Collection method: clinical testing. Allele origin: germline. Observed: 21 variant alleles. Not counted in ClinVar's aggregate classification.
Comment: BA1, BP4

ARUP Laboratories, Molecular Genetics and Genomics, ARUP Laboratories
Classification: Benign. Last evaluated: 2025-06-02. Review status: criteria provided, single submitter. Criteria: ARUP Molecular Germline Variant Investigation Process 2024. Collection method: clinical testing. Allele origin: germline. Not counted in ClinVar's aggregate classification.

Quest Diagnostics Nichols Institute San Juan Capistrano
Classification: Benign. Last evaluated: 2025-05-16. Review status: criteria provided, single submitter. Criteria: Quest Diagnostics criteria. Collection method: clinical testing. Allele origin: unknown. Not counted in ClinVar's aggregate classification.

Genome-Nilou Lab
Classification: Benign for von Willebrand disease type 1. Last evaluated: 2021-12-05. Review status: criteria provided, single submitter. Criteria: ACMG Guidelines, 2015. Collection method: clinical testing. Allele origin: germline. Affected: no. Not counted in ClinVar's aggregate classification.

Genome-Nilou Lab
Classification: Benign for von Willebrand disease type 3. Last evaluated: 2021-12-05. Review status: criteria provided, single submitter. Criteria: ACMG Guidelines, 2015. Collection method: clinical testing. Allele origin: germline. Affected: no. Not counted in ClinVar's aggregate classification.

Genome-Nilou Lab
Classification: Benign for von Willebrand disease type 2. Last evaluated: 2021-12-05. Review status: criteria provided, single submitter. Criteria: ACMG Guidelines, 2015. Collection method: clinical testing. Allele origin: germline. Affected: no. Not counted in ClinVar's aggregate classification.

Breakthrough Genomics
Classification: Likely benign. Review status: criteria provided, single submitter. Criteria: ACMG Guidelines, 2015. Collection method: not provided. Allele origin: germline. Inheritance: Autosomal recessive inheritance. Affected: yes. Not counted in ClinVar's aggregate classification.

Literature cited by the submitters: PubMed 23690449 (cited by Quest Diagnostics Nichols Institute San Juan Capistrano); PubMed 20231421 (cited by Quest Diagnostics Nichols Institute San Juan Capistrano); PubMed 22431572 (cited by Quest Diagnostics Nichols Institute San Juan Capistrano).

NM_000552.5(VWF):c.4138A>G (p.Ile1380Val)

Gene: VWF (von Willebrand factor; minus strand). Cytogenetic location: 12p13.31.
Variant type: single nucleotide variant.
Coding change: c.4138A>G on transcript NM_000552.5 (MANE Select); coding-DNA position 4138, A replaced by G.
Protein change: p.Ile1380Val; replaces isoleucine 1380 with valine.
Molecular consequence: missense variant.
Genome position (GRCh38, 1-based): chr12:6,019,280, T>C on the plus strand (A>G on the coding strand, the complement: VWF is on the minus strand). VCF-style: chr12-6019280-T-C. GRCh37 (hg19) VCF-style: chr12-6128446-T-C.
Other names: NM_000552.5(VWF):c.4138A>G; c.4138A>G (NM_000552.4); short protein forms I1380V.
Identifiers: ClinVar variation 310063 (VCV000310063.20), dbSNP rs11063988, ClinGen allele CA6402595.
Genomic context (GRCh38, chr12:6,019,280, plus strand): 5'-AGCGGACAAAGTTCCGGGACATCCGTTGGGGCTCCTGGCTGGCCATCAGGAGCAGGGTGA[T>C]GCGGGAGGCTTCAGGGCGGTCGATCTTGCTGAAGATTTGGAACAGTGTGTATTTCAAGAC-3'
Protein context (NP_000543.3, residues 1370-1390): SKIDRPEASR[Ile1380Val]TLLLMASQEP